The following is an entry in ClinVar:

NM_001082486.2(ACD):c.1181G>A (p.Gly394Glu)

Gene: ACD (ACD shelterin complex subunit and telomerase recruitment factor; minus strand). Cytogenetic location: 16q22.1.
Variant type: single nucleotide variant.
Coding change: c.1181G>A on transcript NM_001082486.2 (MANE Select); coding-DNA position 1181, G replaced by A.
Protein change: p.Gly394Glu; replaces glycine 394 with glutamic acid.
Molecular consequence: missense variant.
Genome position (GRCh38, 1-based): chr16:67,658,011, C>T on the plus strand (G>A on the coding strand, the complement: ACD is on the minus strand). VCF-style: chr16-67658011-C-T. GRCh37 (hg19) VCF-style: chr16-67691914-C-T.
Other names: c.1172G>A, p.Gly391Glu (NM_022914.3); short protein forms G391E, G394E.
Identifiers: ClinVar variation 1319343 (VCV001319343.6), dbSNP rs1475118457, ClinGen allele CA396351640.

ClinVar aggregate classification (germline): Uncertain significance. Review status: criteria provided, multiple submitters, no conflicts (2 of 4 stars). 2 submissions from 2 submitters: Uncertain significance (2). Last evaluated 2024-05-05.

Conditions:
Inborn genetic diseases. Identifiers: MedGen C0950123, MeSH D030342.

Allele frequency attached by ClinVar (database versions not stated): gnomAD 0.00001; gnomAD exomes 0.00001.

Submissions (2):

Ambry Genetics
Classification: Uncertain significance for Inborn genetic diseases. Last evaluated: 2024-05-05. Review status: criteria provided, single submitter. Criteria: Ambry Variant Classification Scheme 2023. Collection method: clinical testing. Allele origin: germline.
Comment: The p.G480E variant (also known as c.1439G>A), located in coding exon 10 of the ACD gene, results from a G to A substitution at nucleotide position 1439. The glycine at codon 480 is replaced by glutamic acid, an amino acid with similar properties. This amino acid position is conserved. In addition, this alteration is predicted to be tolerated by in silico analysis. Since supporting evidence is limited at this time, the clinical significance of this alteration remains unclear.

Institute for Clinical Genetics, University Hospital TU Dresden, University Hospital TU Dresden
Classification: Uncertain significance. Last evaluated: 2021-11-03. Review status: criteria provided, single submitter. Criteria: ACMG Guidelines, 2015. Collection method: clinical testing. Allele origin: germline.